The following is an entry in ClinVar:

ClinVar aggregate classification (germline): Likely benign. Review status: criteria provided, multiple submitters, no conflicts (2 of 4 stars). 2 submissions from 2 submitters: Likely benign (2). Last evaluated 2025-03-01.

Allele frequency attached by ClinVar (database versions not stated): TOPMed 0.00002; gnomAD 0.00003; gnomAD exomes 0.00003; ExAC 0.00004.
gnomAD v4.1: 51 of 1,612,226 alleles (0.0032%); highest among the groups gnomAD compares: Non-Finnish European, 0.0042%; no homozygotes.

Submissions (2):

CeGaT Center for Human Genetics Tuebingen
Classification: Likely benign. Last evaluated: 2025-03-01. Review status: criteria provided, single submitter. Criteria: CeGaT Center For Human Genetics Tuebingen Variant Classification Criteria Version 2. Collection method: clinical testing. Allele origin: germline. Affected: yes. Observed: 2 variant alleles.
Comment: ARID1B: BP4

Labcorp Genetics (formerly Invitae), Labcorp
Classification: Likely benign. Last evaluated: 2022-12-20. Review status: criteria provided, single submitter. Criteria: Invitae Variant Classification Sherloc (09022015). Collection method: clinical testing. Allele origin: germline.

NM_001374828.1(ARID1B):c.2827G>A (p.Gly943Ser)

Gene: ARID1B (AT-rich interaction domain 1B; plus strand). Cytogenetic location: 6q25.3.
Variant type: single nucleotide variant.
Coding change: c.2827G>A on transcript NM_001374828.1 (MANE Select); coding-DNA position 2827, G replaced by A.
Protein change: p.Gly943Ser; replaces glycine 943 with serine.
Molecular consequence: missense variant.
Genome position (GRCh38, 1-based): chr6:157,148,689, G>A. VCF-style: chr6-157148689-G-A. GRCh37 (hg19) VCF-style: chr6-157469823-G-A.
Other names: c.2578G>A, p.Gly860Ser (NM_001346813.1); c.328G>A, p.Gly110Ser (NM_001363725.2); c.2866G>A, p.Gly956Ser (NM_001371656.1, NM_001374820.1); c.2827G>A, p.Gly943Ser (NM_017519.3); c.2617G>A, p.Gly873Ser (NM_020732.3); c.2404G>A, p.Gly802Ser (NM_175863.2); short protein forms G860S, G873S, G110S, G956S, G802S, G943S.
Identifiers: ClinVar variation 2714481 (VCV002714481.16), dbSNP rs542660265, ClinGen allele CA4067153.